The following is an entry in ClinVar:

NM_001999.4(FBN2):c.1958G>A (p.Gly653Glu)

Gene: FBN2 (fibrillin 2; minus strand). Cytogenetic location: 5q23.3.
Variant type: single nucleotide variant.
Coding change: c.1958G>A on transcript NM_001999.4 (MANE Select); coding-DNA position 1958, G replaced by A.
Protein change: p.Gly653Glu; replaces glycine 653 with glutamic acid.
Molecular consequence: missense variant.
Genome position (GRCh38, 1-based): chr5:128,376,745, C>T on the plus strand (G>A on the coding strand, the complement: FBN2 is on the minus strand). VCF-style: chr5-128376745-C-T. GRCh37 (hg19) VCF-style: chr5-127712438-C-T.
Other names: short protein forms G653E.
Identifiers: ClinVar variation 3666756 (VCV003666756.2).
Genomic context (GRCh38, chr5:128,376,745, plus strand): 5'-GGTGGTTTCAATCATGGTCACTTTCCTATCTGAAAGCCACACATACCAGTACAGTAACGC[C>T]CATTTGGAGCCAAGACAAATCCTGGTTTGCAGATGCACTTGAAGCTGCCATCTTCATTGA-3'
Protein context (NP_001990.2, residues 643-663): CKPGFVLAPN[Gly653Glu]RYCTDVDECQ

ClinVar aggregate classification (germline): Uncertain significance (1 of 4 stars; one submission).

Conditions:
Congenital contractural arachnodactyly (CCA). Also called: BEALS SYNDROME; Beals-Hecht syndrome; Arthrogryposis, distal, type 9. Identifiers: Orphanet 115, MedGen C0220668, MONDO:0007363, OMIM 121050.

gnomAD v4.1: 1 of 1,613,676 alleles (0.000062%); highest among the groups gnomAD compares: Admixed American, 0.0017%; no homozygotes.

Submission:

Labcorp Genetics (formerly Invitae), Labcorp
Classification: Uncertain significance for Congenital contractural arachnodactyly. Last evaluated: 2024-11-25. Review status: criteria provided, single submitter. Criteria: Invitae Variant Classification Sherloc (09022015). Collection method: clinical testing. Allele origin: germline.
Comment: This sequence change replaces glycine, which is neutral and non-polar, with glutamic acid, which is acidic and polar, at codon 653 of the FBN2 protein (p.Gly653Glu). This variant is present in population databases (no rsID available, gnomAD 0.003%). This variant has not been reported in the literature in individuals affected with FBN2-related conditions. Invitae Evidence Modeling of protein sequence and biophysical properties (such as structural, functional, and spatial information, amino acid conservation, physicochemical variation, residue mobility, and thermodynamic stability) indicates that this missense variant is expected to disrupt FBN2 protein function with a positive predictive value of 80%. In summary, the available evidence is currently insufficient to determine the role of this variant in disease. Therefore, it has been classified as a Variant of Uncertain Significance.